The following is an entry in ClinVar:

ClinVar aggregate classification (germline): Benign/Likely benign. Review status: criteria provided, multiple submitters, no conflicts (2 of 4 stars). 9 submissions from 9 submitters: Benign (5); Likely benign (3). 1 of the submissions does not count toward it. Last evaluated 2026-09-01.

Conditions:
Glycogen storage disease, type II (IOPD). Also called: Glycogen storage disease type 2; Acid maltase deficiency disease; Aglucosidase alfa; Deficiency of alpha-glucosidase; Deficiency of lysosomal alpha-glucosidase; Glucosidase acid-1,4-alpha deficiency. Identifiers: Orphanet 365, MedGen C0017921, MONDO:0009290, OMIM 232300.

Allele frequency attached by ClinVar (database versions not stated): gnomAD 0.00055 and 0.00077; ExAC 0.00421; gnomAD exomes 0.00630.
gnomAD v4.1: 568 of 1,482,304 alleles (0.038%); highest among the groups gnomAD compares: East Asian, 0.47%; 55 homozygotes.

Submissions (9):

CeGaT Center for Human Genetics Tuebingen
Classification: Likely benign. Last evaluated: 2026-09-01. Review status: criteria provided, single submitter. Criteria: CeGaT Center For Human Genetics Tuebingen Variant Classification Criteria Version 2. Collection method: clinical testing. Allele origin: germline. Affected: yes. Observed: 9 variant alleles.
Comment: GAA: BP4, BS2

Genomenon, Inc
Classification: Benign for Glycogen storage disease, type II. Last evaluated: 2026-07-01. Review status: criteria provided, single submitter. Criteria: Genomenon Sequence Variant Interpretation Standards - Updated. Collection method: curation. Allele origin: germline. Affected: no.
Comment: GAA c.858+8G>A is an intronic variant located in intron 4. This variant is present at high allele frequency in population databases. We classify GAA c.858+8G>A as a benign variant.

Labcorp Genetics (formerly Invitae), Labcorp
Classification: Benign for Glycogen storage disease, type II. Last evaluated: 2026-02-01. Review status: criteria provided, single submitter. Criteria: Invitae Variant Classification Sherloc (09022015). Collection method: clinical testing. Allele origin: germline.

Genome-Nilou Lab
Classification: Benign for Glycogen storage disease, type II. Last evaluated: 2021-06-10. Review status: criteria provided, single submitter. Criteria: ACMG Guidelines, 2015. Collection method: clinical testing. Allele origin: germline. Affected: no.

GeneDx
Classification: Likely benign. Last evaluated: 2017-09-12. Review status: criteria provided, single submitter. Criteria: GeneDx Variant Classification (06012015). Collection method: clinical testing. Allele origin: germline. Affected: yes.
Comment: This variant is considered likely benign or benign based on one or more of the following criteria: it is a conservative change, it occurs at a poorly conserved position in the protein, it is predicted to be benign by multiple in silico algorithms, and/or has population frequency not consistent with disease.

Illumina Laboratory Services, Illumina
Classification: Likely benign for Glycogen storage disease, type II. Last evaluated: 2017-04-27. Review status: criteria provided, single submitter. Criteria: ICSL Variant Classification Criteria 13 December 2019. Collection method: clinical testing. Allele origin: germline.
Comment: This variant was observed as part of a predisposition screen in an ostensibly healthy population. A literature search was performed for the gene, cDNA change, and amino acid change (where applicable). No publications were found based on this search. Allele frequency data from public databases allowed determination this variant is unlikely to cause disease. Therefore, this variant is classified as likely benign.

Genetic Services Laboratory, University of Chicago
Classification: Benign for AllHighlyPenetrant. Last evaluated: 2014-03-13. Review status: criteria provided, single submitter. Criteria: ACMG Guidelines, 2007. Collection method: clinical testing. Allele origin: germline. Inheritance: Autosomal recessive inheritance.

Eurofins Ntd Llc (ga)
Classification: Benign. Last evaluated: 2013-12-06. Review status: criteria provided, single submitter. Criteria: EGL Classification Definitions 2015. Collection method: clinical testing. Allele origin: germline. Observed: 23 variant alleles, 15 heterozygotes, 8 homozygotes.

Mayo Clinic Laboratories, Mayo Clinic
Classification: Likely benign. Last evaluated: 2015-10-19. Review status: no assertion criteria provided. Collection method: clinical testing. Allele origin: unknown. Not counted in ClinVar's aggregate classification.

NM_000152.5(GAA):c.858+8G>A

Gene: GAA (alpha glucosidase; plus strand). Cytogenetic location: 17q25.3.
Variant type: single nucleotide variant.
Coding change: c.858+8G>A on transcript NM_000152.5 (MANE Select); 8 bases into the intron after coding-DNA position 858, G replaced by A.
Molecular consequence: intron variant.
Genome position (GRCh38, 1-based): chr17:80,107,730, G>A. VCF-style: chr17-80107730-G-A. GRCh37 (hg19) VCF-style: chr17-78081529-G-A.
Other names: c.858+8G>A (NM_001079803.3, NM_001079804.3, LRG_673t1).
Identifiers: ClinVar variation 129122 (VCV000129122.45), dbSNP rs5822325, ClinGen allele CA152922.
Genomic context (GRCh38, chr17:80,107,730, plus strand): 5'-TCAGCACCAGCTGGACCAGGATCACCCTGTGGAACCGGGACCTTGCGCCCACGGTACAGC[G>A]GCGGGCGGCGGGCGGGGGCACTGAGCTGGGGAGCGCAGGTGCTGAAGCGCCGTCTCCTGC-3'